The following is an entry in ClinVar:

NM_001304569.2(PAX2):c.13G>A (p.Ala5Thr)

Gene: PAX2 (paired box 2; plus strand). Cytogenetic location: 10q24.31.
Variant type: single nucleotide variant.
Coding change: c.13G>A on transcript NM_001304569.2; coding-DNA position 13, G replaced by A.
Protein change: p.Ala5Thr; replaces alanine 5 with threonine.
Molecular consequence: missense variant.
Genome position (GRCh38, 1-based): chr10:100,735,721, G>A. VCF-style: chr10-100735721-G-A. GRCh37 (hg19) VCF-style: chr10-102495478-G-A.
Other names: c.13G>A, p.Ala5Thr (NM_001374303.1); short protein forms A5T.
Identifiers: ClinVar variation 2640758 (VCV002640758.22), dbSNP rs1287517556, ClinGen allele CA471215729.

ClinVar aggregate classification (germline): Uncertain significance (1 of 4 stars; one submission).

Submission:

CeGaT Center for Human Genetics Tuebingen
Classification: Uncertain significance. Last evaluated: 2023-09-01. Review status: criteria provided, single submitter. Criteria: CeGaT Center For Human Genetics Tuebingen Variant Classification Criteria Version 2. Collection method: clinical testing. Allele origin: germline. Affected: yes. Observed: 1 variant allele.
Comment: PAX2: PM2